The following is an entry in ClinVar:

ClinVar aggregate classification (germline): Pathogenic (1 of 4 stars; one submission).

Conditions:
Retinoblastoma (RB1). Also called: RETINOBLASTOMA, SOMATIC. Identifiers: Orphanet 790, MedGen C0035335, MeSH D012175, MONDO:0008380, OMIM 180200, HP:0009919. Disease mechanism: loss of function. Inheritance: Both sporadic and heritable forms are tested..

Submission:

Labcorp Genetics (formerly Invitae), Labcorp
Classification: Pathogenic for Retinoblastoma. Last evaluated: 2022-04-28. Review status: criteria provided, single submitter. Criteria: Invitae Variant Classification Sherloc (09022015). Collection method: clinical testing. Allele origin: germline.
Comment: This variant is not present in population databases (gnomAD no frequency). This sequence change creates a premature translational stop signal (p.Lys143Metfs*7) in the RB1 gene. It is expected to result in an absent or disrupted protein product. Loss-of-function variants in RB1 are known to be pathogenic (PMID: 17096365). This variant has not been reported in the literature in individuals affected with RB1-related conditions. For these reasons, this variant has been classified as Pathogenic.

Literature cited by the submitters: PubMed 17096365.

NM_000321.3(RB1):c.428_437del (p.Lys143fs)

Gene: RB1 (RB transcriptional corepressor 1; plus strand). Cytogenetic location: 13q14.2.
Variant type: Deletion.
Coding change: c.428_437del on transcript NM_000321.3 (MANE Select); coding-DNA positions 428 to 437, 10 bases deleted (AAGTTGATAA; older notation c.428_437delAAGTTGATAA).
Protein change: p.Lys143fs; shifts the reading frame from lysine 143.
Molecular consequence: frameshift variant.
Genome position (GRCh38, 1-based): chr13:48,345,127-48,345,136, AAGTTGATAA deleted; deleting any 10 consecutive bases within chr13:48,345,126-48,345,136 gives the same sequence; the c. name uses the placement nearest the transcript's 3' end. VCF-style (leftmost placement, unchanged base first): chr13-48345125-CAAAGTTGATA-C. GRCh37 (hg19) VCF-style: chr13-48919261-CAAAGTTGATA-C.
Other names: c.428_437delAAGTTGATAA, p.Lys143Metfs (NM_001407165.1, NM_001407166.1); short protein forms K143fs.
Identifiers: ClinVar variation 2131593 (VCV002131593.4), dbSNP rs2542159328, ClinGen allele CA2580088093.